The following is an entry in ClinVar:

NM_003235.5(TG):c.3835C>T (p.Arg1279Trp)

Gene: TG (thyroglobulin; plus strand). Cytogenetic location: 8q24.22.
Variant type: single nucleotide variant.
Coding change: c.3835C>T on transcript NM_003235.5 (MANE Select); coding-DNA position 3835, C replaced by T.
Protein change: p.Arg1279Trp; replaces arginine 1279 with tryptophan.
Molecular consequence: missense variant.
Genome position (GRCh38, 1-based): chr8:132,906,888, C>T. VCF-style: chr8-132906888-C-T. GRCh37 (hg19) VCF-style: chr8-133919133-C-T.
Other names: short protein forms R1279W.
Identifiers: ClinVar variation 391831 (VCV000391831.3), dbSNP rs368926894, ClinGen allele CA4883896.

ClinVar aggregate classification (germline): Uncertain significance (1 of 4 stars; one submission).

Allele frequency attached by ClinVar (database versions not stated): gnomAD 0.00004 and 0.00005; TOPMed 0.00007; ESP Exome Variant Server 0.00015; 1000 Genomes Project 30x 0.00016; ExAC 0.00017; 1000 Genomes Project 0.00020.
gnomAD v4.1: 219 of 1,612,102 alleles (0.014%); highest among the groups gnomAD compares: Non-Finnish European, 0.017%; no homozygotes.

Submission:

GeneDx
Classification: Uncertain significance. Last evaluated: 2024-04-30. Review status: criteria provided, single submitter. Criteria: GeneDx Variant Classification Process June 2021. Collection method: clinical testing. Allele origin: germline. Affected: yes.
Comment: In silico analysis indicates that this missense variant does not alter protein structure/function; Identified in an individual with congenital hypothyroidism and a hypoplastic thyroid gland; a second variant in the TG gene was not identified (PMID: 32425884); This variant is associated with the following publications: (PMID: 32425884)